The following is an entry in ClinVar:

ClinVar aggregate classification (germline): Uncertain significance (1 of 4 stars; one submission).

Conditions:
Immunodeficiency-centromeric instability-facial anomalies syndrome 2 (ICF2). Identifiers: Orphanet 2268, MedGen C3279748, MONDO:0013553, OMIM 614069.

Allele frequency attached by ClinVar (database versions not stated): gnomAD 0.00001; TOPMed 0.00001; ExAC 0.00002.
gnomAD v4.1: 28 of 1,614,096 alleles (0.0017%); highest among the groups gnomAD compares: Admixed American, 0.0033%; no homozygotes.

Submission:

Labcorp Genetics (formerly Invitae), Labcorp
Classification: Uncertain significance for Immunodeficiency-centromeric instability-facial anomalies syndrome 2. Last evaluated: 2022-06-25. Review status: criteria provided, single submitter. Criteria: Invitae Variant Classification Sherloc (09022015). Collection method: clinical testing. Allele origin: germline.
Comment: This sequence change replaces arginine, which is basic and polar, with histidine, which is basic and polar, at codon 288 of the ZBTB24 protein (p.Arg288His). This variant is present in population databases (rs768539778, gnomAD 0.003%). This variant has not been reported in the literature in individuals affected with ZBTB24-related conditions. Algorithms developed to predict the effect of missense changes on protein structure and function are either unavailable or do not agree on the potential impact of this missense change (SIFT: "Not Available"; PolyPhen-2: "Benign"; Align-GVGD: "Not Available"). In summary, the available evidence is currently insufficient to determine the role of this variant in disease. Therefore, it has been classified as a Variant of Uncertain Significance.

NM_014797.3(ZBTB24):c.863G>A (p.Arg288His)

Gene: ZBTB24 (zinc finger and BTB domain containing 24; minus strand). Cytogenetic location: 6q21.
Variant type: single nucleotide variant.
Coding change: c.863G>A on transcript NM_014797.3 (MANE Select); coding-DNA position 863, G replaced by A.
Protein change: p.Arg288His; replaces arginine 288 with histidine.
Molecular consequence: missense variant.
Genome position (GRCh38, 1-based): chr6:109,481,164, C>T on the plus strand (G>A on the coding strand, the complement: ZBTB24 is on the minus strand). VCF-style: chr6-109481164-C-T. GRCh37 (hg19) VCF-style: chr6-109802367-C-T.
Other names: c.863G>A, p.Arg288His (NM_001164313.2); short protein forms R288H.
Identifiers: ClinVar variation 2078428 (VCV002078428.1), dbSNP rs768539778, ClinGen allele CA3954267.